The following is an entry in ClinVar:

NM_001267550.2(TTN):c.89111A>G (p.Tyr29704Cys)

Genes: TTN-AS1 (TTN antisense RNA 1; plus strand), TTN (titin; minus strand). Cytogenetic location: 2q31.2.
Variant type: single nucleotide variant.
Coding change: c.89111A>G on transcript NM_001267550.2 (MANE Select); coding-DNA position 89111, A replaced by G.
Protein change: p.Tyr29704Cys; replaces tyrosine 29704 with cysteine.
Molecular consequence: missense variant.
Genome position (GRCh38, 1-based): chr2:178,554,000, T>C on the plus strand (A>G on the coding strand, the complement: TTN is on the minus strand). VCF-style: chr2-178554000-T-C. GRCh37 (hg19) VCF-style: chr2-179418727-T-C.
Other names: c.81407A>G, p.Tyr27136Cys (NM_133378.4); c.84188A>G, p.Tyr28063Cys (NM_001256850.1); c.61916A>G, p.Tyr20639Cys (NM_003319.4); c.62291A>G, p.Tyr20764Cys (NM_133432.3); c.62492A>G, p.Tyr20831Cys (NM_133437.4); short protein forms Y27136C, Y29704C, Y20639C, Y20764C, Y20831C, Y28063C.
Identifiers: ClinVar variation 178869 (VCV000178869.5), dbSNP rs727504503, ClinGen allele CA183194.

ClinVar aggregate classification (germline): Uncertain significance (1 of 4 stars; one submission).

Allele frequency attached by ClinVar (database versions not stated): ExAC 0.00001; gnomAD exomes below 0.00001; gnomAD 0.00001; TOPMed 0.00001.
gnomAD v4.1: 7 of 1,613,324 alleles (0.00043%); highest among the groups gnomAD compares: Admixed American, 0.005%; no homozygotes.

Submission:

Laboratory for Molecular Medicine, Mass General Brigham Personalized Medicine
Classification: Uncertain significance. Last evaluated: 2013-04-09. Review status: criteria provided, single submitter. Criteria: LMM Criteria. Collection method: clinical testing. Allele origin: germline. Observed: 1 variant allele.
Comment: The Tyr27136Cys variant in TTN has not been reported in the literature nor previ ously identified by our laboratory. This variant has not been identified in larg e European American and African American populations by the NHLBI Exome Sequenci ng Project, though it may be present in other populations. Computational analyses (biochemical amino acid properties, conserv ation, AlignGVGD, PolyPhen2, and SIFT) suggest do not provide strong support for or against an impact to the protein. At this time, additional studies are neede d to fully assess the clinical significance of this variant.